The following is an entry in ClinVar:

ClinVar aggregate classification (germline): Conflicting classifications of pathogenicity. Review status: criteria provided, conflicting classifications (1 of 4 stars). 10 submissions from 10 submitters: Uncertain significance (6); Likely benign (3). 1 of the submissions does not count toward it. Last evaluated 2025-03-17.

Conditions:
TTN-related disorder. Also called: TTN-related condition; TTN-related disease; TTN-related disorders.
Cardiovascular phenotype. Identifiers: MedGen CN230736.
Autosomal recessive limb-girdle muscular dystrophy type 2J (LGMDR10). Also called: Limb-girdle muscular dystrophy, type 2J; MUSCULAR DYSTROPHY, LIMB-GIRDLE, AUTOSOMAL RECESSIVE 10. Identifiers: Orphanet 140922, MedGen C1837342, MONDO:0012127, OMIM 608807.
Dilated cardiomyopathy 1G (CMD1G). Identifiers: Orphanet 154, MedGen C1858763, MONDO:0011400, OMIM 604145.
Cardiomyopathy (CMYO). Also called: Cardiomyopathies. Identifiers: Orphanet 167848, MedGen C0878544, MONDO:0004994, HP:0001638. Inheritance: Various modes of inheritance.

Allele frequency attached by ClinVar (database versions not stated): ESP Exome Variant Server 0.00016; ExAC 0.00004; gnomAD exomes 0.00007 and 0.00012; TOPMed 0.00011; gnomAD 0.00012 and 0.00013.
gnomAD v4.1: 194 of 1,613,184 alleles (0.012%); highest among the groups gnomAD compares: Non-Finnish European, 0.015%; no homozygotes.

Submissions (10):

Women's Health and Genetics/Laboratory Corporation of America, LabCorp
Classification: Uncertain significance. Last evaluated: 2025-03-17. Review status: criteria provided, single submitter. Criteria: LabCorp Variant Classification Summary - May 2015. Collection method: clinical testing. Allele origin: germline.
Comment: Variant summary: TTN c.59900G>A (p.Ser19967Asn) results in a conservative amino acid change in the encoded protein sequence. Four of four in-silico tools predict a benign effect of the variant on protein function. The variant allele was found at a frequency of 6.9e-05 in 247796 control chromosomes. This frequency is not significantly higher than estimated for a pathogenic variant in TTN causing Dilated Cardiomyopathy (6.9e-05 vs 0.00039), allowing no conclusion about variant significance. c.59900G>A has been reported in the literature in at least one individual affected with Dilated Cardiomyopathy (Mazzarotto_2020). This report does not provide unequivocal conclusions about association of the variant with TTN-related conditions. To our knowledge, no experimental evidence demonstrating an impact on protein function has been reported. The following publication has been ascertained in the context of this evaluation (PMID: 31983221). ClinVar contains an entry for this variant (Variation ID: 220680). Based on the evidence outlined above, the variant was classified as uncertain significance.

CeGaT Center for Human Genetics Tuebingen
Classification: Uncertain significance. Last evaluated: 2025-02-01. Review status: criteria provided, single submitter. Criteria: CeGaT Center For Human Genetics Tuebingen Variant Classification Criteria Version 2. Collection method: clinical testing. Allele origin: germline. Affected: yes. Observed: 2 variant alleles.
Comment: TTN: PM2, BP4

Blueprint Genetics
Classification: Likely benign. Last evaluated: 2024-08-15. Review status: criteria provided, single submitter. Criteria: ACMG Guidelines, 2015. Collection method: clinical testing. Allele origin: germline.

Revvity Omics, Revvity
Classification: Uncertain significance. Last evaluated: 2022-06-02. Review status: criteria provided, single submitter. Criteria: ACMG Guidelines, 2015. Collection method: clinical testing. Allele origin: germline.

Ambry Genetics
Classification: Likely benign for Cardiovascular phenotype. Last evaluated: 2020-07-07. Review status: criteria provided, single submitter. Criteria: Ambry Autosomal Dominant and X-Linked criteria (2/2020). Collection method: clinical testing. Allele origin: germline. Observed: 1 variant allele.
Comment: In silico models in agreement (benign);Subpopulation frequency in support of benign classification

CHEO Genetics Diagnostic Laboratory, Children's Hospital of Eastern Ontario
Classification: Uncertain significance for Cardiomyopathy. Last evaluated: 2020-05-12. Review status: criteria provided, single submitter. Criteria: ACMG Guidelines, 2015. Collection method: clinical testing. Allele origin: germline.

GeneDx
Classification: Likely benign. Last evaluated: 2019-02-15. Review status: criteria provided, single submitter. Criteria: GeneDx Variant Classification Process June 2021. Collection method: clinical testing. Allele origin: germline. Affected: yes.
Comment: This variant is associated with the following publications: (PMID: 31983221)

Labcorp Genetics (formerly Invitae), Labcorp
Classification: Uncertain significance for Dilated cardiomyopathy 1G; Autosomal recessive limb-girdle muscular dystrophy type 2J. Last evaluated: 2015-10-20. Review status: criteria provided, single submitter. Criteria: Invitae Variant Classification Sherloc (09022015). Collection method: clinical testing. Allele origin: germline.
Comment: This sequence change replaces serine with asparagine at codon 22535 of the TTN protein (c.67604G>A). The serine residue is moderately conserved and there is a small physicochemical difference between serine and asparagine. This variant is present in population databases (rs375676529, ExAC 0.02%) but has not been reported in the literature. Algorithms developed to predict the effect of missense changes on protein structure and function do not agree on the potential impact of this missense change (SIFT: "Deleterious"; PolyPhen-2: "Benign"; Align-GVGD: "Class C0"). In summary, this is a rare missense change with uncertain impact on protein function. There is no indication that this variant causes disease, but the evidence is insufficient at this time to prove that conclusively. Therefore, it has been classified as a Variant of Uncertain Significance.

Eurofins Ntd Llc (ga)
Classification: Uncertain significance. Last evaluated: 2015-09-01. Review status: criteria provided, single submitter. Criteria: EGL Classification Definitions 2015. Collection method: clinical testing. Allele origin: germline. Observed: 1 variant allele, 1 heterozygote.

PreventionGenetics, part of Exact Sciences
Classification: Uncertain significance for TTN-related condition. Last evaluated: 2024-06-26. Review status: no assertion criteria provided. Collection method: clinical testing. Allele origin: germline. Not counted in ClinVar's aggregate classification.
Comment: The TTN c.67604G>A variant is predicted to result in the amino acid substitution p.Ser22535Asn. This variant was reported in a large cohort study of individuals with dilated cardiomyopathy (Reported as chr2:g.179444320 in Supp. Table 3 Mazzarotto et al 2020. PubMed ID: 31983221). This variant is reported in 0.012% of alleles in individuals of African descent in gnomAD. At this time, the clinical significance of this variant is uncertain due to the absence of conclusive functional and genetic evidence.

Literature cited by the submitters: PubMed 31983221 (cited by Women's Health and Genetics/Laboratory Corporation of America, LabCorp).

NM_001267550.2(TTN):c.67604G>A (p.Ser22535Asn)

Genes: TTN-AS1 (TTN antisense RNA 1; plus strand), TTN (titin; minus strand), LOC126806423 (CDK7 strongly-dependent group 2 enhancer GRCh37_chr2:179443309-179444508; plus strand). Cytogenetic location: 2q31.2.
Variant type: single nucleotide variant.
Coding change: c.67604G>A on transcript NM_001267550.2 (MANE Select); coding-DNA position 67604, G replaced by A.
Protein change: p.Ser22535Asn; replaces serine 22535 with asparagine.
Molecular consequence: missense variant.
Genome position (GRCh38, 1-based): chr2:178,579,593, C>T on the plus strand (G>A on the coding strand, the complement: TTN is on the minus strand). VCF-style: chr2-178579593-C-T. GRCh37 (hg19) VCF-style: chr2-179444320-C-T.
Other names: c.62681G>A, p.Ser20894Asn (NM_001256850.1); c.40409G>A, p.Ser13470Asn (NM_003319.4); c.59900G>A, p.Ser19967Asn (NM_133378.4); c.40784G>A, p.Ser13595Asn (NM_133432.3); c.40985G>A, p.Ser13662Asn (NM_133437.4); short protein forms S22535N, S19967N, S20894N, S13470N, S13595N, S13662N.
Identifiers: ClinVar variation 220680 (VCV000220680.40), dbSNP rs375676529, ClinGen allele CA348224.
Genomic context (GRCh38, chr2:178,579,593, plus strand): 5'-AAATGAAGATGTGTGCATAGAGCCTTACCAACATCATCCCTTGCCACAACAGTGATTTCG[C>T]TTGGGGTTCCTTCTCCATTTTCATTCTCAGCACTCACTCTGAAGGTATATTCCTTCCCTT-3'
Protein context (NP_001254479.2, residues 22525-22545): AENENGEGTP[Ser22535Asn]EITVVARDDV